The following is an entry in ClinVar:

ClinVar aggregate classification (germline): Uncertain significance (1 of 4 stars; one submission).

Conditions:
Inborn genetic diseases. Identifiers: MedGen C0950123, MeSH D030342.

Submission:

Ambry Genetics
Classification: Uncertain significance for Inborn genetic diseases. Last evaluated: 2025-11-13. Review status: criteria provided, single submitter. Criteria: Ambry Variant Classification Scheme 2023. Collection method: clinical testing. Allele origin: germline.
Comment: The p.H688Y variant (also known as c.2062C>T), located in coding exon 12 of the BMPR2 gene, results from a C to T substitution at nucleotide position 2062. The histidine at codon 688 is replaced by tyrosine, an amino acid with similar properties. This amino acid position is conserved. In addition, this alteration is predicted to be deleterious by in silico analysis. Based on the available evidence, the clinical significance of this variant remains unclear.

NM_001204.7(BMPR2):c.2062C>T (p.His688Tyr)

Gene: BMPR2 (bone morphogenetic protein receptor type 2; plus strand). Cytogenetic location: 2q33.2.
Variant type: single nucleotide variant.
Coding change: c.2062C>T on transcript NM_001204.7 (MANE Select); coding-DNA position 2062, C replaced by T.
Protein change: p.His688Tyr; replaces histidine 688 with tyrosine.
Molecular consequence: missense variant.
Genome position (GRCh38, 1-based): chr2:202,555,727, C>T. VCF-style: chr2-202555727-C-T. GRCh37 (hg19) VCF-style: chr2-203420450-C-T.
Other names: short protein forms H688Y.
Identifiers: ClinVar variation 4597720 (VCV004597720.1).